The following is an entry in ClinVar:

NM_138927.4(SON):c.3334C>T (p.Arg1112Ter)

Gene: SON (SON DNA and RNA binding protein; plus strand). Cytogenetic location: 21q22.11.
Variant type: single nucleotide variant.
Coding change: c.3334C>T on transcript NM_138927.4 (MANE Select); coding-DNA position 3334, C replaced by T.
Protein change: p.Arg1112Ter; replaces arginine 1112 with a stop codon.
Molecular consequence: nonsense. On other transcripts: non-coding transcript variant (1), intron variant (1).
Genome position (GRCh38, 1-based): chr21:33,552,565, C>T. VCF-style: chr21-33552565-C-T. GRCh37 (hg19) VCF-style: chr21-34924871-C-T.
Other names: c.3334C>T, p.Arg1112Ter (NM_001291411.2, NM_032195.3); c.245-4591C>T (NM_001291412.3); short protein forms R1112*.
Identifiers: ClinVar variation 423520 (VCV000423520.10), dbSNP rs1064796472, ClinGen allele CA16620986.

ClinVar aggregate classification (germline): Pathogenic. Review status: criteria provided, multiple submitters, no conflicts (2 of 4 stars). 6 submissions from 6 submitters: Pathogenic (4). 2 of the submissions do not count toward it. Last evaluated 2022-05-22.

Conditions:
Inborn genetic diseases. Identifiers: MedGen C0950123, MeSH D030342.
ZTTK syndrome (ZTTKS). Also called: Zhu-Tokita-Takenouchi-Kim Syndrome; ZTTK MULTIPLE CONGENITAL ANOMALIES-MENTAL RETARDATION SYNDROME. Identifiers: Orphanet 500150, MedGen C4310696, MONDO:0014936, OMIM 617140.

Submissions (6):

3billion
Classification: Pathogenic for ZTTK syndrome. Last evaluated: 2022-05-22. Review status: criteria provided, single submitter. Criteria: ACMG Guidelines, 2015. Collection method: clinical testing. Allele origin: germline. Affected: yes. Observed: 1 heterozygote.
Comment: The variant is not observed in the gnomAD v2.1.1 dataset. Stop-gained (nonsense): predicted to result in a loss or disruption of normal protein function through nonsense-mediated decay (NMD) or protein truncation. Multiple pathogenic variants are reported downstream of the variant. The variant has been reported at least twice as pathogenic without evidence for the classification (ClinVar ID: VCV000423520). It has been previoulsy reported as de novo in a similarly affected inidividual (PMID:27545680). Therefore, this variant is classified as pathogenic according to the recommendation of ACMG/AMP guideline.

GeneDx
Classification: Pathogenic. Last evaluated: 2019-11-15. Review status: criteria provided, single submitter. Criteria: GeneDx Variant Classification Process June 2021. Collection method: clinical testing. Allele origin: germline. Affected: yes.
Comment: Nonsense variant predicted to result in protein truncation or nonsense mediated decay in a gene for which loss-of-function is a known mechanism of disease; Not observed in large population cohorts (Lek et al., 2016); This variant is associated with the following publications: (PMID: 31557424, 27545680, 31005274)

Institute of Human Genetics, University of Leipzig Medical Center
Classification: Pathogenic for ZTTK syndrome. Last evaluated: 2019-08-20. Review status: criteria provided, single submitter. Criteria: ACMG Guidelines, 2015. Collection method: clinical testing. Allele origin: de novo. Affected: yes. Observed: 1 variant allele.
Comment: This variant was identified as de novo (maternity and paternity confirmed).

Ambry Genetics
Classification: Pathogenic for Inborn genetic diseases. Last evaluated: 2016-05-04. Review status: criteria provided, single submitter. Criteria: Ambry exome assertion method (8-5-2015). Collection method: clinical testing. Allele origin: germline. Affected: yes. Observed: 1 variant allele.

Clinical Genetics Laboratory, University Hospital Schleswig-Holstein
Classification: Pathogenic for ZTTK syndrome. Last evaluated: 2023-11-01. Review status: no assertion criteria provided. Collection method: clinical testing. Allele origin: de novo. Affected: yes. Not counted in ClinVar's aggregate classification.

University of Washington Center for Mendelian Genomics, University of Washington
Classification: Likely pathogenic for ZTTK syndrome. Last evaluated: 2016-09-01. Review status: no assertion criteria provided. Collection method: research. Allele origin: unknown. Affected: yes. Observed: 1 heterozygote. Not counted in ClinVar's aggregate classification.

Literature cited by the submitters: PubMed 27545680 (cited by University of Washington Center for Mendelian Genomics, University of Washington).